The following is an entry in ClinVar:

NM_001034853.2(RPGR):c.2482G>T (p.Glu828Ter)

Gene: RPGR (retinitis pigmentosa GTPase regulator; minus strand). Cytogenetic location: Xp11.4.
Variant type: single nucleotide variant.
Coding change: c.2482G>T on transcript NM_001034853.2 (MANE Select); coding-DNA position 2482, G replaced by T.
Protein change: p.Glu828Ter; replaces glutamic acid 828 with a stop codon.
Molecular consequence: nonsense. On other transcripts: intron variant (8).
Genome position (GRCh38, 1-based): chrX:38,286,517, C>A on the plus strand (G>T on the coding strand, the complement: RPGR is on the minus strand). VCF-style: chrX-38286517-C-A. GRCh37 (hg19) VCF-style: chrX-38145770-C-A.
Other names: c.1569+4442G>T (NM_001367249.1, NM_001367250.1); c.1902+577G>T (NM_001367245.1); c.1386+4442G>T (NM_001367251.1); c.1719+577G>T (NM_001367246.1); c.1572+4442G>T (NM_001367247.1); c.1905+577G>T (NM_000328.3); c.1602+4442G>T (NM_001367248.1); short protein forms E828*.
Identifiers: ClinVar variation 2000840 (VCV002000840.6), dbSNP rs2519790541, ClinGen allele CA412730538.

ClinVar aggregate classification (germline): Pathogenic/Likely pathogenic. Review status: criteria provided, multiple submitters, no conflicts (2 of 4 stars). 3 submissions from 3 submitters: Pathogenic (1); Likely pathogenic (1). 1 of the submissions does not count toward it. Last evaluated 2023-08-22.

Conditions:
Retinitis pigmentosa 3. Also called: CHOROIDORETINAL DEGENERATION WITH RETINAL REFLEX IN HETEROZYGOUS WOMEN. Identifiers: Orphanet 791, MedGen C1845667, MONDO:0010227, OMIM 300029.
Retinal dystrophy. Also called: Inherited retinal dystrophy. Identifiers: Orphanet 71862, MedGen C0854723, MeSH D058499, MONDO:0019118, HP:0000556.
Primary ciliary dyskinesia. Also called: Ciliary dyskinesia. Identifiers: Orphanet 244, MedGen C0008780, MONDO:0016575, HP:0012265.

Submissions (3):

3billion
Classification: Likely pathogenic for Retinitis pigmentosa 3. Last evaluated: 2023-08-22. Review status: criteria provided, single submitter. Criteria: ACMG Guidelines, 2015. Collection method: clinical testing. Allele origin: germline. Affected: yes.
Comment: The variant is not observed in the gnomAD v2.1.1 dataset. Predicted Consequence/Location: Stop-gained (nonsense): predicted to result in a loss or disruption of normal protein function through protein truncation. The predicted truncated protein may be shortened by more than 10%. The variant has been reported to be associated with RPGR related disorder (ClinVar ID: VCV002000840). Therefore, this variant is classified as Likely pathogenic according to the recommendation of ACMG/AMP guideline.

Labcorp Genetics (formerly Invitae), Labcorp
Classification: Pathogenic for Primary ciliary dyskinesia. Last evaluated: 2022-03-09. Review status: criteria provided, single submitter. Criteria: Invitae Variant Classification Sherloc (09022015). Collection method: clinical testing. Allele origin: germline.
Comment: This variant has not been reported in the literature in individuals affected with RPGR (ORF15)-related conditions. For these reasons, this variant has been classified as Pathogenic. This variant disrupts a region of the RPGR (ORF15) protein in which other variant(s) (p.Leu1130Lysfs*13) have been determined to be pathogenic (PMID: 22264887; Invitae). This suggests that this is a clinically significant region of the protein, and that variants that disrupt it are likely to be disease-causing. This variant is not present in population databases (gnomAD no frequency). This sequence change creates a premature translational stop signal (p.Glu828*) in the RPGR (ORF15) gene. While this is not anticipated to result in nonsense mediated decay, it is expected to disrupt the last 325 amino acid(s) of the RPGR (ORF15) protein.

Institute of Human Genetics, Univ. Regensburg, Univ. Regensburg
Classification: Pathogenic for Retinal dystrophy. Last evaluated: 2019-01-01. Review status: no assertion criteria provided. Criteria: ACMG Guidelines, 2015. Collection method: clinical testing. Allele origin: germline. Affected: yes. Not counted in ClinVar's aggregate classification.

Literature cited by the submitters: PubMed 22264887 (cited by Labcorp Genetics (formerly Invitae), Labcorp).